The following is an entry in ClinVar:

ClinVar aggregate classification (germline): Uncertain significance (1 of 4 stars; one submission).

Submission:

Labcorp Genetics (formerly Invitae), Labcorp
Classification: Uncertain significance. Last evaluated: 2024-08-31. Review status: criteria provided, single submitter. Criteria: Invitae Variant Classification Sherloc (09022015). Collection method: clinical testing. Allele origin: germline.
Comment: This sequence change replaces alanine, which is neutral and non-polar, with glutamic acid, which is acidic and polar, at codon 481 of the COL10A1 protein (p.Ala481Glu). This variant is present in population databases (rs765594783, gnomAD 0.001%). This variant has not been reported in the literature in individuals affected with COL10A1-related conditions. Invitae Evidence Modeling of protein sequence and biophysical properties (such as structural, functional, and spatial information, amino acid conservation, physicochemical variation, residue mobility, and thermodynamic stability) has been performed for this missense variant. However, the output from this modeling did not meet the statistical confidence thresholds required to predict the impact of this variant on COL10A1 protein function. In summary, the available evidence is currently insufficient to determine the role of this variant in disease. Therefore, it has been classified as a Variant of Uncertain Significance.

NM_000493.4(COL10A1):c.1442C>A (p.Ala481Glu)

Genes: COL10A1 (collagen type X alpha 1 chain; minus strand), NT5DC1 (5'-nucleotidase domain containing 1; plus strand). Cytogenetic location: 6q22.1.
Variant type: single nucleotide variant.
Coding change: c.1442C>A on transcript NM_000493.4 (MANE Select); coding-DNA position 1442, C replaced by A.
Protein change: p.Ala481Glu; replaces alanine 481 with glutamic acid.
Molecular consequence: missense variant. On other transcripts: intron variant (1).
Genome position (GRCh38, 1-based): chr6:116,120,674, G>T on the plus strand (C>A on the coding strand, the complement: COL10A1 is on the minus strand). VCF-style: chr6-116120674-G-T. GRCh37 (hg19) VCF-style: chr6-116441837-G-T.
Other names: c.1442C>A, p.Ala481Glu (NM_001424106.1, NM_001424107.1); c.529+2729G>T (NM_152729.3); short protein forms A481E.
Identifiers: ClinVar variation 3673643 (VCV003673643.2).